The following is an entry in ClinVar:

NM_000492.4(CFTR):c.3411_3414del (p.Met1137fs)

Genes: CFTR (CF transmembrane conductance regulator; plus strand), CFTR-AS2 (CFTR antisense RNA 2; minus strand). Cytogenetic location: 7q31.2.
Variant type: Deletion.
Coding change: c.3411_3414del on transcript NM_000492.4 (MANE Select); coding-DNA positions 3411 to 3414, 4 bases deleted (GAAT; older notation c.3411_3414delGAAT).
Protein change: p.Met1137fs; shifts the reading frame from methionine 1137.
Molecular consequence: frameshift variant.
Genome position (GRCh38, 1-based): chr7:117,614,656-117,614,659, GAAT deleted; deleting any 4 consecutive bases within chr7:117,614,654-117,614,659 gives the same sequence; the c. name uses the placement nearest the transcript's 3' end. VCF-style (leftmost placement, unchanged base first): chr7-117614653-CATGA-C. GRCh37 (hg19) VCF-style: chr7-117254707-CATGA-C.
Other names: short protein forms M1137fs.
Identifiers: ClinVar variation 1706013 (VCV001706013.1), dbSNP rs2485133957, ClinGen allele CA2580076399.

ClinVar aggregate classification (germline): Pathogenic (1 of 4 stars; one submission).

Conditions:
Cystic fibrosis (CF). Also called: MUCOVISCIDOSIS. Identifiers: Orphanet 586, MedGen C0010674, MONDO:0009061, OMIM 219700. Disease mechanism: loss of function.

Submission:

Institute of Human Genetics, University of Leipzig Medical Center
Classification: Pathogenic for Cystic fibrosis. Last evaluated: 2022-09-05. Review status: criteria provided, single submitter. Criteria: ACMG Guidelines, 2015. Collection method: curation. Allele origin: unknown. Affected: yes. Observed: 1 variant allele.
Comment: The variant was classified in the context of a project re-classifying variants in the German Cystic Fibrosis Registry (Muko.e.V.). Criteria applied: PVS1, PM2_SUP, PP4